The following is an entry in ClinVar:

NM_007186.6(CEP250):c.7192G>A (p.Val2398Met)

Gene: CEP250 (centrosomal protein 250; plus strand). Cytogenetic location: 20q11.22.
Variant type: single nucleotide variant.
Coding change: c.7192G>A on transcript NM_007186.6 (MANE Select); coding-DNA position 7192, G replaced by A.
Protein change: p.Val2398Met; replaces valine 2398 with methionine.
Molecular consequence: missense variant.
Genome position (GRCh38, 1-based): chr20:35,511,489, G>A. VCF-style: chr20-35511489-G-A. GRCh37 (hg19) VCF-style: chr20-34099318-G-A.
Other names: c.5296G>A, p.Val1766Met (NM_001318219.1); short protein forms V1766M, V2398M.
Identifiers: ClinVar variation 1518148 (VCV001518148.8), dbSNP rs747589645, ClinGen allele CA9834264.
Genomic context (GRCh38, chr20:35,511,489, plus strand): 5'-GCACAGACCAGCCGTGAGCTAGCAGGCCTGCACCACAGCCTCTCACACTCACTTCTTGCC[G>A]TGGCCCAGGCCCCTGAGGCCACTGTCCTGGAGGCAGAGACCCGCAGGCTGGATGAGTCCC-3'
Protein context (NP_009117.2, residues 2388-2408): HHSLSHSLLA[Val2398Met]AQAPEATVLE

ClinVar aggregate classification (germline): Uncertain significance (1 of 4 stars; one submission).

Allele frequency attached by ClinVar (database versions not stated): gnomAD exomes 0.00001; ExAC 0.00002.
gnomAD v4.1: 13 of 1,614,134 alleles (0.00081%); highest among the groups gnomAD compares: Admixed American, 0.0067%; no homozygotes.

Submission:

Labcorp Genetics (formerly Invitae), Labcorp
Classification: Uncertain significance. Last evaluated: 2022-01-06. Review status: criteria provided, single submitter. Criteria: Invitae Variant Classification Sherloc (09022015). Collection method: clinical testing. Allele origin: germline.
Comment: This variant has not been reported in the literature in individuals affected with CEP250-related conditions. This variant is present in population databases (rs747589645, gnomAD 0.009%). This sequence change replaces valine with methionine at codon 2398 of the CEP250 protein (p.Val2398Met). The valine residue is highly conserved and there is a small physicochemical difference between valine and methionine. In summary, the available evidence is currently insufficient to determine the role of this variant in disease. Therefore, it has been classified as a Variant of Uncertain Significance. Algorithms developed to predict the effect of missense changes on protein structure and function are either unavailable or do not agree on the potential impact of this missense change (SIFT: "Not Available"; PolyPhen-2: "Probably Damaging"; Align-GVGD: "Not Available").